The following is an entry in ClinVar:

ClinVar aggregate classification (germline): Benign. Review status: criteria provided, multiple submitters, no conflicts (2 of 4 stars). 4 submissions from 4 submitters: Benign (3). 1 of the submissions does not count toward it. Last evaluated 2026-05-09.

Conditions:
YWHAZ-related disorder. Also called: YWHAZ-related condition.

Allele frequency attached by ClinVar (database versions not stated): ESP Exome Variant Server 0.05474; gnomAD exomes 0.07860 and 0.06761; gnomAD 0.05903 and 0.05929; 1000 Genomes Project 30x 0.03014; 1000 Genomes Project 0.03115; TOPMed 0.04690; ExAC 0.06769.
gnomAD v4.1: 122,902 of 1,608,646 alleles (7.6%); highest among the groups gnomAD compares: Non-Finnish European, 8.3%; 5,481 homozygotes.

Submissions (4):

Women's Health and Genetics/Laboratory Corporation of America, LabCorp
Classification: Benign. Last evaluated: 2026-05-09. Review status: criteria provided, single submitter. Criteria: LabCorp Variant Classification Summary - May 2015. Collection method: clinical testing. Allele origin: germline.

Labcorp Genetics (formerly Invitae), Labcorp
Classification: Benign. Last evaluated: 2026-01-29. Review status: criteria provided, single submitter. Criteria: Invitae Variant Classification Sherloc (09022015). Collection method: clinical testing. Allele origin: germline.

Breakthrough Genomics
Classification: Benign. Review status: criteria provided, single submitter. Criteria: ACMG Guidelines, 2015. Collection method: not provided. Allele origin: germline. Inheritance: Unknown mechanism. Affected: yes.

PreventionGenetics, part of Exact Sciences
Classification: Benign for YWHAZ-related condition. Last evaluated: 2019-12-09. Review status: no assertion criteria provided. Collection method: clinical testing. Allele origin: germline. Not counted in ClinVar's aggregate classification.
Comment: This variant is classified as benign based on ACMG/AMP sequence variant interpretation guidelines (Richards et al. 2015 PMID: 25741868, with internal and published modifications).

NM_145690.3(YWHAZ):c.583-5C>T

Gene: YWHAZ (tyrosine 3-monooxygenase/tryptophan 5-monooxygenase activation protein zeta; minus strand). Cytogenetic location: 8q22.3.
Variant type: single nucleotide variant.
Coding change: c.583-5C>T on transcript NM_145690.3 (MANE Select); 5 bases into the intron before coding-DNA position 583, C replaced by T.
Molecular consequence: intron variant.
Genome position (GRCh38, 1-based): chr8:100,924,055, G>A on the plus strand (C>T on the coding strand, the complement: YWHAZ is on the minus strand). VCF-style: chr8-100924055-G-A. GRCh37 (hg19) VCF-style: chr8-101936283-G-A.
Other names: c.583-5C>T (NM_003406.4, NM_001135699.2, NM_001135700.2 and 3 more transcripts).
Identifiers: ClinVar variation 1555264 (VCV001555264.12), dbSNP rs41507849, ClinGen allele CA4829858.
Genomic context (GRCh38, chr8:100,924,055, plus strand): 5'-TCTTTGTATGACTCTTCACTTAATGTATCAAGTTCAGCAATGGCTTCATCAAAAGCCTAC[G>A]ATTTAAAAATAGTACATTACATTTCAGTGCTCAAATAATAAAGACTGCTAAATTTCTACG-3'